The following is an entry in ClinVar:

ClinVar aggregate classification (germline): Uncertain significance. Review status: criteria provided, multiple submitters, no conflicts (2 of 4 stars). 2 submissions from 2 submitters: Uncertain significance (2). Last evaluated 2022-09-14.

Conditions:
Inborn genetic diseases. Identifiers: MedGen C0950123, MeSH D030342.

Allele frequency attached by ClinVar (database versions not stated): TOPMed below 0.00001; gnomAD exomes 0.00001.
gnomAD v4.1: 13 of 1,609,880 alleles (0.00081%); highest among the groups gnomAD compares: Admixed American, 0.0017%; no homozygotes.

Submissions (2):

Ambry Genetics
Classification: Uncertain significance for Inborn genetic diseases. Last evaluated: 2022-09-14. Review status: criteria provided, single submitter. Criteria: Ambry Variant Classification Scheme 2023. Collection method: clinical testing. Allele origin: germline.

GeneDx
Classification: Uncertain significance. Last evaluated: 2016-12-28. Review status: criteria provided, single submitter. Criteria: GeneDx Variant Classification (06012015). Collection method: clinical testing. Allele origin: germline. Affected: yes.
Comment: The R2227C variant in the SPTBN2 gene has not been reported previously as a pathogenic variant, nor as a benign variant, to our knowledge. The R2227C variant was not observed in approximately 6500 individuals of European and African American ancestry in the NHLBI Exome Sequencing Project, indicating it is not a common benign variant in these populations. The R2227C variant is a non-conservative amino acid substitution, which is likely to impact secondary protein structure as these residues differ in polarity, charge, size and/or other properties. This substitution occurs at a position that is conserved across species. In silico analysis predicts this variant is probably damaging to the protein structure/function. We interpret R2227C as a variant of uncertain significance.

NM_006946.4(SPTBN2):c.6679C>T (p.Arg2227Cys)

Gene: SPTBN2 (spectrin beta, non-erythrocytic 2; minus strand). Cytogenetic location: 11q13.2.
Variant type: single nucleotide variant.
Coding change: c.6679C>T on transcript NM_006946.4 (MANE Select); coding-DNA position 6679, C replaced by T.
Protein change: p.Arg2227Cys; replaces arginine 2227 with cysteine.
Molecular consequence: missense variant.
Genome position (GRCh38, 1-based): chr11:66,687,470, G>A on the plus strand (C>T on the coding strand, the complement: SPTBN2 is on the minus strand). VCF-style: chr11-66687470-G-A. GRCh37 (hg19) VCF-style: chr11-66454941-G-A.
Other names: short protein forms R2227C.
Identifiers: ClinVar variation 391723 (VCV000391723.4), dbSNP rs1057524207, ClinGen allele CA16606978.